The following is an entry in ClinVar:

NM_001032283.3(TMPO):c.565+1508_565+1509del

Gene: TMPO (thymopoietin; plus strand). Cytogenetic location: 12q23.1.
Variant type: Deletion.
Coding change: c.565+1508_565+1509del on transcript NM_001032283.3 (MANE Select); bases 1508 to 1509 of the intron after coding-DNA position 565, 2 bases deleted (TG; older notation c.565+1508_565+1509delTG).
Molecular consequence: intron variant. On other transcripts: frameshift variant (1).
Genome position (GRCh38, 1-based): chr12:98,533,346-98,533,347, TG deleted. VCF-style (leftmost placement, unchanged base first): chr12-98533345-CTG-C. GRCh37 (hg19) VCF-style: chr12-98927123-CTG-C.
Other names: c.1089_1090del, p.Ser365fs (NM_003276.2); c.565+1508_565+1509del (NM_001307975.2, NM_001032284.3); short protein forms S365fs.
Identifiers: ClinVar variation 1989856 (VCV001989856.4), dbSNP rs774334407, ClinGen allele CA6732358.

ClinVar aggregate classification (germline): Uncertain significance (1 of 4 stars; one submission).

Conditions:
Loeys-Dietz syndrome 2 (LDS2). Also called: TGFBR2-Related Loeys-Dietz Syndrome; MARFAN SYNDROME, TYPE II; Marfan Syndrome type 2; Marfan like connective tissue disorder; MFS 2; Marfan syndrome, type 2 (formerly). Identifiers: Orphanet 284973, Orphanet 558, MedGen C2674574, MONDO:0012427, OMIM 610168.

Allele frequency attached by ClinVar (database versions not stated): TOPMed below 0.00001; ExAC 0.00001; gnomAD exomes 0.00003; ESP Exome Variant Server 0.00008.

Submission:

Labcorp Genetics (formerly Invitae), Labcorp
Classification: Uncertain significance for Loeys-Dietz syndrome 2. Last evaluated: 2025-08-25. Review status: criteria provided, single submitter. Criteria: Invitae Variant Classification Sherloc (09022015). Collection method: clinical testing. Allele origin: germline.
Comment: This sequence change creates a premature translational stop signal (p.Ser365Leufs*27) in the TMPO gene. While this is not anticipated to result in nonsense mediated decay, it is expected to disrupt the last 330 amino acid(s) of the TMPO protein. This variant is present in population databases (rs774334407, gnomAD 0.0009%). This variant has not been reported in the literature in individuals affected with TMPO-related conditions. ClinVar contains an entry for this variant (Variation ID: 1989856). Experimental studies and prediction algorithms are not available or were not evaluated, and the functional significance of this variant is currently unknown. In summary, the available evidence is currently insufficient to determine the role of this variant in disease. Therefore, it has been classified as a Variant of Uncertain Significance.